The following is an entry in ClinVar:

ClinVar aggregate classification (germline): Uncertain significance (1 of 4 stars; one submission).

Conditions:
IKZF5-related disorder. Also called: IKZF5-related condition.

Submission:

PreventionGenetics, part of Exact Sciences
Classification: Uncertain significance for IKZF5-related condition. Last evaluated: 2026-08-26. Review status: criteria provided, single submitter. Criteria: ACMG Guidelines, 2015. Collection method: clinical testing. Allele origin: germline.
Comment: The IKZF5 c.337C>T variant is predicted to result in the amino acid substitution p.His113Tyr. To our knowledge, this variant has not been reported in the literature or in a large population database (gnomAD), indicating this variant is rare. At this time, the clinical significance of this variant is uncertain due to the absence of conclusive functional and genetic evidence.

NM_001372123.1(IKZF5):c.337C>T (p.His113Tyr)

Gene: IKZF5 (IKAROS family zinc finger 5; minus strand). Cytogenetic location: 10q26.13.
Variant type: single nucleotide variant.
Coding change: c.337C>T on transcript NM_001372123.1 (MANE Select); coding-DNA position 337, C replaced by T.
Protein change: p.His113Tyr; replaces histidine 113 with tyrosine.
Molecular consequence: missense variant.
Genome position (GRCh38, 1-based): chr10:122,994,703, G>A on the plus strand (C>T on the coding strand, the complement: IKZF5 is on the minus strand). VCF-style: chr10-122994703-G-A. GRCh37 (hg19) VCF-style: chr10-124754219-G-A.
Other names: c.337C>T, p.His113Tyr (NM_001271840.1, NM_001372125.1, NM_001372126.1 and 2 more transcripts); c.133C>T, p.His45Tyr (NM_001372124.1, NM_001372129.1, NM_001372130.1 and 1 more transcripts); short protein forms H113Y, H45Y.
Identifiers: ClinVar variation 4994428 (VCV004994428.1).